The following is an entry in ClinVar:

ClinVar aggregate classification (germline): Uncertain significance (1 of 4 stars; one submission).

Conditions:
Arrhythmogenic right ventricular dysplasia 10. Also called: Arrhythmogenic Right Ventricular Dysplasia/Cardiomyopathy10; ARRHYTHMOGENIC RIGHT VENTRICULAR DYSPLASIA, FAMILIAL, 10; Arrhythmogenic right ventricular dysplasia/cardiomyopathy, type 10. Identifiers: MedGen C1857777, MONDO:0012434, OMIM 610193.

Allele frequency attached by ClinVar (database versions not stated): gnomAD 0.00001; gnomAD exomes 0.00001 and 0.00002; ExAC 0.00003; TOPMed below 0.00001.
gnomAD v4.1: 10 of 1,593,662 alleles (0.00063%); highest among the groups gnomAD compares: Middle Eastern, 0.15%; 1 homozygote.

Submission:

Labcorp Genetics (formerly Invitae), Labcorp
Classification: Uncertain significance for Arrhythmogenic right ventricular dysplasia 10. Last evaluated: 2026-01-27. Review status: criteria provided, single submitter. Criteria: Invitae Variant Classification Sherloc (09022015). Collection method: clinical testing. Allele origin: germline.
Comment: This sequence change replaces aspartic acid, which is acidic and polar, with glycine, which is neutral and non-polar, at codon 435 of the DSG2 protein (p.Asp435Gly). This variant is present in population databases (rs767684377, gnomAD 0.003%). This variant has not been reported in the literature in individuals affected with DSG2-related conditions. ClinVar contains an entry for this variant (Variation ID: 1016818). Invitae Evidence Modeling of protein sequence and biophysical properties (such as structural, functional, and spatial information, amino acid conservation, physicochemical variation, residue mobility, and thermodynamic stability) indicates that this missense variant is not expected to disrupt DSG2 protein function with a negative predictive value of 95%. In summary, the available evidence is currently insufficient to determine the role of this variant in disease. Therefore, it has been classified as a Variant of Uncertain Significance.

NM_001943.5(DSG2):c.1304A>G (p.Asp435Gly)

Gene: DSG2 (desmoglein 2; plus strand). Cytogenetic location: 18q12.1.
Variant type: single nucleotide variant.
Coding change: c.1304A>G on transcript NM_001943.5 (MANE Select); coding-DNA position 1304, A replaced by G.
Protein change: p.Asp435Gly; replaces aspartic acid 435 with glycine.
Molecular consequence: missense variant.
Genome position (GRCh38, 1-based): chr18:31,535,293, A>G. VCF-style: chr18-31535293-A-G. GRCh37 (hg19) VCF-style: chr18-29115256-A-G.
Other names: short protein forms D435G.
Identifiers: ClinVar variation 1016818 (VCV001016818.8), dbSNP rs767684377, ClinGen allele CA042075.
Genomic context (GRCh38, chr18:31,535,293, plus strand): 5'-AGAATTCAAAATTAATTTTATGTTTGTTTTATGACAGATATGTAAAATTAGAAGATAGAG[A>G]TAATTGGATCTCTGTGGATTCTGTCACATCTGAAATTAAACTTGCAAAACTTCCTGATTT-3'
Protein context (NP_001934.2, residues 425-445): HARYVKLEDR[Asp435Gly]NWISVDSVTS